The following is an entry in ClinVar:

NM_001267550.2(TTN):c.61447C>T (p.Arg20483Cys)

Genes: TTN (titin; minus strand), TTN-AS1 (TTN antisense RNA 1; plus strand). Cytogenetic location: 2q31.2.
Variant type: single nucleotide variant.
Coding change: c.61447C>T on transcript NM_001267550.2 (MANE Select); coding-DNA position 61447, C replaced by T.
Protein change: p.Arg20483Cys; replaces arginine 20483 with cysteine.
Molecular consequence: missense variant.
Genome position (GRCh38, 1-based): chr2:178,590,278, G>A on the plus strand (C>T on the coding strand, the complement: TTN is on the minus strand). VCF-style: chr2-178590278-G-A. GRCh37 (hg19) VCF-style: chr2-179455005-G-A.
Other names: c.56524C>T, p.Arg18842Cys (NM_001256850.1); c.34252C>T, p.Arg11418Cys (NM_003319.4); c.53743C>T, p.Arg17915Cys (NM_133378.4); c.34627C>T, p.Arg11543Cys (NM_133432.3); c.34828C>T, p.Arg11610Cys (NM_133437.4); c.61447C>T (NM_001267550.1); short protein forms R20483C, R17915C, R11418C, R18842C, R11543C, R11610C.
Identifiers: ClinVar variation 195922 (VCV000195922.14), dbSNP rs770139489, ClinGen allele CA242611.

ClinVar aggregate classification (germline): Uncertain significance. Review status: criteria provided, multiple submitters, no conflicts (2 of 4 stars). 6 submissions from 6 submitters: Uncertain significance (6). Last evaluated 2026-08-02.

Conditions:
TTN-related disorder. Also called: TTN-related condition; TTN-related disease; TTN-related disorders.
Cardiovascular phenotype. Identifiers: MedGen CN230736.

Allele frequency attached by ClinVar (database versions not stated): ExAC 0.00001; gnomAD exomes 0.00001; gnomAD 0.00003; TOPMed 0.00003.
gnomAD v4.1: 11 of 1,572,790 alleles (0.0007%); highest among the groups gnomAD compares: Non-Finnish European, 0.00095%; no homozygotes.

Submissions (6):

PreventionGenetics, part of Exact Sciences
Classification: Uncertain significance for TTN-related condition. Last evaluated: 2026-08-02. Review status: criteria provided, single submitter. Criteria: ACMG Guidelines, 2015. Collection method: clinical testing. Allele origin: germline.
Comment: The TTN c.61447C>T variant is predicted to result in the amino acid substitution p.Arg20483Cys. To our knowledge, this variant has not been reported in the literature. This variant is reported in 0.0035% of alleles in individuals of European (Non-Finnish) descent in gnomAD. At this time, the clinical significance of this variant is uncertain due to the absence of conclusive functional and genetic evidence.

GeneDx
Classification: Uncertain significance. Last evaluated: 2025-02-11. Review status: criteria provided, single submitter. Criteria: GeneDx Variant Classification Process June 2021. Collection method: clinical testing. Allele origin: germline.
Comment: Has not been previously published as pathogenic or benign to our knowledge; Not observed at significant frequency in large population cohorts (gnomAD); Located in the A-band region of TTN in which the majority of loss of function variants have been associated with autosomal dominant titinopathies (PMID: 22335739); Missense variant in a gene in which most reported pathogenic variants are truncating/loss of function

Women's Health and Genetics/Laboratory Corporation of America, LabCorp
Classification: Uncertain significance. Last evaluated: 2023-11-15. Review status: criteria provided, single submitter. Criteria: LabCorp Variant Classification Summary - May 2015. Collection method: clinical testing. Allele origin: germline.
Comment: Variant summary: TTN c.53743C>T (p.Arg17915Cys) results in a non-conservative amino acid change located in the A-band region of the encoded protein sequence. Three of four in-silico tools predict a damaging effect of the variant on protein function. The variant allele was found at a frequency of 1.4e-05 in 215668 control chromosomes (gnomAD). The available data on variant occurrences in the general population are insufficient to allow any conclusion about variant significance. To our knowledge, no occurrence of c.53743C>T in individuals affected with Dilated Cardiomyopathy and no experimental evidence demonstrating its impact on protein function have been reported. Three submitters have reported clinical-significance assessments for this variant to ClinVar after 2014. All submitters classified the variant as uncertain significance. Based on the evidence outlined above, the variant was classified as uncertain significance.

Revvity Omics, Revvity
Classification: Uncertain significance. Last evaluated: 2021-05-31. Review status: criteria provided, single submitter. Criteria: ACMG Guidelines, 2015. Collection method: clinical testing. Allele origin: germline.

Ambry Genetics
Classification: Uncertain significance for Cardiovascular phenotype. Last evaluated: 2019-10-18. Review status: criteria provided, single submitter. Criteria: Ambry Variant Classification Scheme 2023. Collection method: clinical testing. Allele origin: germline.
Comment: The p.R11418C variant (also known as c.34252C>T), located in coding exon 131 of the TTN gene, results from a C to T substitution at nucleotide position 34252. The arginine at codon 11418 is replaced by cysteine, an amino acid with highly dissimilar properties. This amino acid position is highly conserved in available vertebrate species. In addition, this alteration is predicted to be tolerated by in silico analysis. Since supporting evidence is limited at this time, the clinical significance of this alteration remains unclear.

Eurofins Ntd Llc (ga)
Classification: Uncertain significance. Last evaluated: 2015-03-24. Review status: criteria provided, single submitter. Criteria: EGL Classification Definitions 2015. Collection method: clinical testing. Allele origin: germline. Observed: 1 variant allele, 1 heterozygote.